The following is an entry in ClinVar:

NM_000400.4(ERCC2):c.6-6C>T

Gene: ERCC2 (ERCC excision repair 2, TFIIH core complex helicase subunit; minus strand). Cytogenetic location: 19q13.32.
Variant type: single nucleotide variant.
Coding change: c.6-6C>T on transcript NM_000400.4 (MANE Select); 6 bases into the intron before coding-DNA position 6, C replaced by T.
Molecular consequence: intron variant. On other transcripts: 5 prime UTR variant (1).
Genome position (GRCh38, 1-based): chr19:45,370,238, G>A on the plus strand (C>T on the coding strand, the complement: ERCC2 is on the minus strand). VCF-style: chr19-45370238-G-A. GRCh37 (hg19) VCF-style: chr19-45873496-G-A.
Other names: c.6-6C>T (NM_000400.3); c.-73C>T (NM_001130867.2).
Identifiers: ClinVar variation 1400414 (VCV001400414.9), dbSNP rs761215265, ClinGen allele CA9513961.

ClinVar aggregate classification (germline): Likely benign. Review status: criteria provided, multiple submitters, no conflicts (2 of 4 stars). 2 submissions from 2 submitters: Likely benign (2). Last evaluated 2025-11-09.

Conditions:
ERCC2-related disorder. Also called: ERCC2-related conditions; ERCC2-related condition; ERCC2-related disorders. Identifiers: MedGen CN239291.

Allele frequency attached by ClinVar (database versions not stated): gnomAD 0.00001; TOPMed 0.00002; ExAC 0.00005.
gnomAD v4.1: 23 of 1,612,980 alleles (0.0014%); highest among the groups gnomAD compares: Admixed American, 0.018%; 1 homozygote.

Submissions (2):

Labcorp Genetics (formerly Invitae), Labcorp
Classification: Likely benign. Last evaluated: 2025-11-09. Review status: criteria provided, single submitter. Criteria: Invitae Variant Classification Sherloc (09022015). Collection method: clinical testing. Allele origin: germline.

PreventionGenetics, part of Exact Sciences
Classification: Likely benign for ERCC2-related condition. Last evaluated: 2024-10-18. Review status: criteria provided, single submitter. Criteria: ACMG Guidelines, 2015. Collection method: clinical testing. Allele origin: germline.
Comment: This variant is classified as likely benign based on ACMG/AMP sequence variant interpretation guidelines (Richards et al. 2015 PMID: 25741868, with internal and published modifications).